The following is an entry in ClinVar:

NM_001361.5(DHODH):c.104G>A (p.Arg35His)

Gene: DHODH (dihydroorotate dehydrogenase (quinone); plus strand). Cytogenetic location: 16q22.2.
Variant type: single nucleotide variant.
Coding change: c.104G>A on transcript NM_001361.5 (MANE Select); coding-DNA position 104, G replaced by A.
Protein change: p.Arg35His; replaces arginine 35 with histidine.
Molecular consequence: missense variant.
Genome position (GRCh38, 1-based): chr16:72,012,132, G>A. VCF-style: chr16-72012132-G-A. GRCh37 (hg19) VCF-style: chr16-72046031-G-A.
Other names: short protein forms R35H.
Identifiers: ClinVar variation 1375227 (VCV001375227.10), dbSNP rs199675109, ClinGen allele CA8158521.

ClinVar aggregate classification (germline): Uncertain significance. Review status: criteria provided, multiple submitters, no conflicts (2 of 4 stars). 3 submissions from 3 submitters: Uncertain significance (3). Last evaluated 2022-02-04.

Conditions:
Miller syndrome (POADS). Also called: GENEE-WIEDEMANN SYNDROME; Genee-Wiedemann acrofacial dysostosis. Identifiers: Orphanet 246, MedGen C0265257, MONDO:0009903, OMIM 263750.

Allele frequency attached by ClinVar (database versions not stated): gnomAD 0.00004 and 0.00005; gnomAD exomes 0.00006 and 0.00009; TOPMed 0.00006; ExAC 0.00008; 1000 Genomes Project 0.00040; 1000 Genomes Project 30x 0.00047.

Submissions (3):

Labcorp Genetics (formerly Invitae), Labcorp
Classification: Uncertain significance. Last evaluated: 2022-02-04. Review status: criteria provided, single submitter. Criteria: Invitae Variant Classification Sherloc (09022015). Collection method: clinical testing. Allele origin: germline.
Comment: In summary, the available evidence is currently insufficient to determine the role of this variant in disease. Therefore, it has been classified as a Variant of Uncertain Significance. Algorithms developed to predict the effect of missense changes on protein structure and function output the following: SIFT: "Tolerated"; PolyPhen-2: "Benign"; Align-GVGD: "Class C0". The histidine amino acid residue is found in multiple mammalian species, which suggests that this missense change does not adversely affect protein function. This variant has not been reported in the literature in individuals affected with DHODH-related conditions. This variant is present in population databases (rs199675109, gnomAD 0.04%). This sequence change replaces arginine, which is basic and polar, with histidine, which is basic and polar, at codon 35 of the DHODH protein (p.Arg35His).

Fulgent Genetics
Classification: Uncertain significance for Miller syndrome. Last evaluated: 2021-08-13. Review status: criteria provided, single submitter. Criteria: ACMG Guidelines, 2015. Collection method: clinical testing. Allele origin: unknown.

Breakthrough Genomics
Classification: Uncertain significance. Review status: criteria provided, single submitter. Criteria: ACMG Guidelines, 2015. Collection method: not provided. Allele origin: germline. Inheritance: Autosomal recessive inheritance. Affected: yes.